The following is an entry in ClinVar:

NM_000352.6(ABCC8):c.526dup (p.Val176fs)

Gene: ABCC8 (ATP binding cassette subfamily C member 8; minus strand). Cytogenetic location: 11p15.1.
Variant type: Duplication.
Coding change: c.526dup on transcript NM_000352.6 (MANE Select); coding-DNA position 526, one base duplicated (G; older notation c.526dupG).
Protein change: p.Val176fs; shifts the reading frame from valine 176.
Molecular consequence: frameshift variant. On other transcripts: non-coding transcript variant (1).
Genome position (GRCh38, 1-based): chr11:17,463,491, C duplicated on the plus strand (G on the coding strand, the reverse complement: ABCC8 is on the minus strand); the first of 2 consecutive C bases (chr11:17,463,491-17,463,492); duplicating either gives the same sequence. VCF-style (leftmost placement, unchanged base first): chr11-17463490-A-AC. GRCh37 (hg19) VCF-style: chr11-17485037-A-AC.
Other names: c.526dup, p.Val176fs (NM_001287174.3, NM_001351295.2, NM_001351296.2 and 1 more transcripts); short protein forms V176fs.
Identifiers: ClinVar variation 973521 (VCV000973521.3), dbSNP rs1847952281, ClinGen allele CA1139661838.
Genomic context (GRCh38, chr11:17,463,490, plus strand): 5'-CTGCTTACCCTCACCCTGATGACATTGACCTCCACGAGGAGCAGCATCCCATAGAGGATC[A>AC]CCAGCAGCCCTGTGAGGCAGAAGCGTAGCTGCGAGAAGCCGATGGCGTGGTCCAAGAACT-3'

ClinVar aggregate classification (germline): Conflicting classifications of pathogenicity. Review status: criteria provided, conflicting classifications (1 of 4 stars). 3 submissions from 2 submitters: Likely pathogenic (1); Uncertain significance (2).

Conditions:
Transitory neonatal diabetes mellitus. Also called: Transient neonatal diabetes mellitus. Identifiers: MedGen C0342273, MONDO:0020525, HP:0008255.
Hyperinsulinemic hypoglycemia, familial, 1 (HHF1). Also called: Persistent hyperinsulinemic hypoglycemia of infancy; Persistent Hyperinsulinemia Hypoglycemia of Infancy; HYPERINSULINISM, FAMILIAL, WITH PANCREATIC NESIDIOBLASTOSIS; HYPOGLYCEMIA, HYPERINSULINEMIC, OF INFANCY; NESIDIOBLASTOSIS OF PANCREAS. Identifiers: Orphanet 276575, Orphanet 276598, MedGen C2931832, MONDO:0009734, OMIM 256450.
Maturity-onset diabetes of the young (MODY). Also called: Maturity onset diabetes mellitus in young. Identifiers: Orphanet 552, MedGen C0342276, MONDO:0018911, HP:0004904.

Submissions (3):

CENTOGENE GmbH and LLC - Guiding Precision Medicine
Classification: Likely pathogenic for Familial hyperinsulinemic hypoglycemia type 1. Review status: criteria provided, single submitter. Criteria: ACMG Guidelines, 2015. Collection method: clinical testing. Allele origin: germline. Affected: yes.

Clinical Genomics, Uppaluri K&H Personalized Medicine Clinic
Classification: Uncertain significance for Maturity-onset diabetes of the young. Review status: criteria provided, single submitter. Criteria: K & H Uppaluri Personalized Medicine Clinic Variant Classification & Assertion Criteria_Updated V.1. Collection method: research. Allele origin: unknown. Inheritance: Somatic mutation.
Comment: Mutations in ABCC8 gene are associated with both neonatal diabetes mellitus as well as MODY. Patients with this mutation may have a better response to sulfonylureas. However, no sufficient evidence is found to ascertain the role of this particular variant (rs1847952281) in MODY yet.

Clinical Genomics, Uppaluri K&H Personalized Medicine Clinic
Classification: Uncertain significance for Transitory neonatal diabetes mellitus. Review status: criteria provided, single submitter. Criteria: K & H Uppaluri Personalized Medicine Clinic Variant Classification & Assertion Criteria_Updated V.1. Collection method: research. Allele origin: unknown. Inheritance: Somatic mutation.
Comment: Mutations in ABCC8 gene are associated with both neonatal diabetes mellitus as well as MODY. Patients with this mutation may have a better response to sulfonylureas. However, no sufficient evidence is found to ascertain the role of this particular variant (rs1847952281) in neonatal diabetes yet.

Literature cited by the submitters: PubMed 16885549 (cited by Clinical Genomics, Uppaluri K&H Personalized Medicine Clinic); PubMed 2198959 (cited by Clinical Genomics, Uppaluri K&H Personalized Medicine Clinic); PubMed 27538677 (cited by Clinical Genomics, Uppaluri K&H Personalized Medicine Clinic); PubMed 18981553 (cited by Clinical Genomics, Uppaluri K&H Personalized Medicine Clinic); PubMed 32027066 (cited by Clinical Genomics, Uppaluri K&H Personalized Medicine Clinic); PubMed 16613899 (cited by Clinical Genomics, Uppaluri K&H Personalized Medicine Clinic); PubMed 18025408 (cited by Clinical Genomics, Uppaluri K&H Personalized Medicine Clinic); PubMed 32792356 (cited by Clinical Genomics, Uppaluri K&H Personalized Medicine Clinic); PubMed 21989597 (cited by Clinical Genomics, Uppaluri K&H Personalized Medicine Clinic).